The following is an entry in ClinVar:

NM_001190274.2(FBXO11):c.2663G>A (p.Cys888Tyr)

Genes: FBXO11 (F-box protein 11; minus strand), MSH6 (mutS homolog 6; plus strand). Cytogenetic location: 2p16.3.
Variant type: single nucleotide variant.
Coding change: c.2663G>A on transcript NM_001190274.2 (MANE Select); coding-DNA position 2663, G replaced by A.
Protein change: p.Cys888Tyr; replaces cysteine 888 with tyrosine.
Molecular consequence: missense variant. On other transcripts: intron variant (6).
Genome position (GRCh38, 1-based): chr2:47,808,239, C>T on the plus strand (G>A on the coding strand, the complement: FBXO11 is on the minus strand). VCF-style: chr2-47808239-C-T. GRCh37 (hg19) VCF-style: chr2-48035378-C-T.
Other names: c.2411G>A, p.Cys804Tyr (NM_001374325.1, NM_025133.4); c.*43+1336C>T (NM_001406809.1); c.*40+1339C>T (NM_001406796.1, NM_001406811.1, NM_001406805.1 and 2 more transcripts); short protein forms C804Y, C888Y.
Identifiers: ClinVar variation 3361012 (VCV003361012.1).

ClinVar aggregate classification (germline): Uncertain significance (1 of 4 stars; one submission).

Submission:

GeneDx
Classification: Uncertain significance. Last evaluated: 2023-07-13. Review status: criteria provided, single submitter. Criteria: GeneDx Variant Classification Process June 2021. Collection method: clinical testing. Allele origin: germline. Affected: yes.
Comment: Not observed at significant frequency in large population cohorts (gnomAD); In silico analysis supports that this missense variant has a deleterious effect on protein structure/function; Has not been previously published as pathogenic or benign to our knowledge